The following is an entry in ClinVar:

ClinVar aggregate classification (germline): Likely pathogenic (1 of 4 stars; one submission).

gnomAD v4.1: 1 of 1,546,318 alleles (0.000065%); highest among the groups gnomAD compares: East Asian, 0.0023%; no homozygotes.

Submission:

Labcorp Genetics (formerly Invitae), Labcorp
Classification: Likely pathogenic. Last evaluated: 2024-03-29. Review status: criteria provided, single submitter. Criteria: Invitae Variant Classification Sherloc (09022015). Collection method: clinical testing. Allele origin: germline.
Comment: This sequence change affects a donor splice site in intron 3 of the ASAH1 gene. It is expected to disrupt RNA splicing. Variants that disrupt the donor or acceptor splice site typically lead to a loss of protein function (PMID: 16199547), and loss-of-function variants in ASAH1 are known to be pathogenic (PMID: 24164096, 24355074). This variant is not present in population databases (gnomAD no frequency). This variant has not been reported in the literature in individuals affected with ASAH1-related conditions. Algorithms developed to predict the effect of sequence changes on RNA splicing suggest that this variant may disrupt the consensus splice site. In summary, the currently available evidence indicates that the variant is pathogenic, but additional data are needed to prove that conclusively. Therefore, this variant has been classified as Likely Pathogenic.

Literature cited by the submitters: PubMed 16199547; PubMed 24164096; PubMed 24355074.

NM_177924.5(ASAH1):c.216+1G>A

Gene: ASAH1 (N-acylsphingosine amidohydrolase 1; minus strand). Cytogenetic location: 8p22.
Variant type: single nucleotide variant.
Coding change: c.216+1G>A on transcript NM_177924.5 (MANE Select); the canonical splice donor site of the intron after coding-DNA position 216, G replaced by A.
Molecular consequence: splice donor variant.
Genome position (GRCh38, 1-based): chr8:18,071,299, C>T on the plus strand (G>A on the coding strand, the complement: ASAH1 is on the minus strand). VCF-style: chr8-18071299-C-T. GRCh37 (hg19) VCF-style: chr8-17928808-C-T.
Other names: c.264+1G>A (NM_004315.6); c.285+1G>A (NM_001127505.3); c.21+1G>A (NM_001363743.2).
Identifiers: ClinVar variation 3707853 (VCV003707853.2).